The following is an entry in ClinVar:

ClinVar aggregate classification (germline): Uncertain significance (1 of 4 stars; one submission).

Submission:

Ambry Genetics
Classification: Uncertain significance. Last evaluated: 2021-07-20. Review status: criteria provided, single submitter. Criteria: Ambry Variant Classification Scheme 2023. Collection method: clinical testing. Allele origin: germline.
Comment: The p.G132S variant (also known as c.394G>A), located in coding exon 1 of the EGLN1 gene, results from a G to A substitution at nucleotide position 394. The glycine at codon 132 is replaced by serine, an amino acid with similar properties. This amino acid position is conserved. In addition, this alteration is predicted to be tolerated by in silico analysis. Since supporting evidence is limited at this time, the clinical significance of this alteration remains unclear.

NM_022051.3(EGLN1):c.394G>A (p.Gly132Ser)

Gene: EGLN1 (egl-9 family hypoxia inducible factor 1; minus strand). Cytogenetic location: 1q42.2.
Variant type: single nucleotide variant.
Coding change: c.394G>A on transcript NM_022051.3 (MANE Select); coding-DNA position 394, G replaced by A.
Protein change: p.Gly132Ser; replaces glycine 132 with serine.
Molecular consequence: missense variant.
Genome position (GRCh38, 1-based): chr1:231,421,495, C>T on the plus strand (G>A on the coding strand, the complement: EGLN1 is on the minus strand). VCF-style: chr1-231421495-C-T. GRCh37 (hg19) VCF-style: chr1-231557241-C-T.
Other names: c.394G>A, p.Gly132Ser (NM_001377260.1, NM_001377261.1); short protein forms G132S.
Identifiers: ClinVar variation 1736417 (VCV001736417.2), dbSNP rs2527360278, ClinGen allele CA345237274.